The following is an entry in ClinVar:

ClinVar aggregate classification (germline): Pathogenic (1 of 4 stars; one submission).

Conditions:
Aicardi-Goutieres syndrome 2. Identifiers: Orphanet 51, MedGen C3489724, MONDO:0012429, OMIM 610181.

Submission:

Labcorp Genetics (formerly Invitae), Labcorp
Classification: Pathogenic for Aicardi-Goutieres syndrome 2. Last evaluated: 2023-12-15. Review status: criteria provided, single submitter. Criteria: Invitae Variant Classification Sherloc (09022015). Collection method: clinical testing. Allele origin: germline.
Comment: This sequence change creates a premature translational stop signal (p.Val41Leufs*23) in the RNASEH2B gene. It is expected to result in an absent or disrupted protein product. Loss-of-function variants in RNASEH2B are known to be pathogenic (PMID: 17846997). This variant is not present in population databases (gnomAD no frequency). This variant has not been reported in the literature in individuals affected with RNASEH2B-related conditions. ClinVar contains an entry for this variant (Variation ID: 567225). For these reasons, this variant has been classified as Pathogenic.

Literature cited by the submitters: PubMed 17846997.

NM_024570.4(RNASEH2B):c.121del (p.Val41fs)

Gene: RNASEH2B (ribonuclease H2 subunit B; plus strand). Cytogenetic location: 13q14.3.
Variant type: Deletion.
Coding change: c.121del on transcript NM_024570.4 (MANE Select); coding-DNA position 121, one base deleted (G; older notation c.121delG).
Protein change: p.Val41fs; shifts the reading frame from valine 41.
Molecular consequence: frameshift variant.
Genome position (GRCh38, 1-based): chr13:50,927,463, G deleted; the last of 2 consecutive G bases (chr13:50,927,462-50,927,463); deleting either gives the same sequence. VCF-style (leftmost placement, unchanged base first): chr13-50927461-TG-T. GRCh37 (hg19) VCF-style: chr13-51501597-TG-T.
Other names: c.121del, p.Val41fs (NM_001142279.2); c.121delG (NM_024570.3); short protein forms V41fs.
Identifiers: ClinVar variation 567225 (VCV000567225.6), dbSNP rs1452451283, ClinGen allele CA698821121.